The following is an entry in ClinVar:

NM_004320.6(ATP2A1):c.81C>G (p.Asp27Glu)

Gene: ATP2A1 (ATPase sarcoplasmic/endoplasmic reticulum Ca2+ transporting 1; plus strand). Cytogenetic location: 16p11.2.
Variant type: single nucleotide variant.
Coding change: c.81C>G on transcript NM_004320.6 (MANE Select); coding-DNA position 81, C replaced by G.
Protein change: p.Asp27Glu; replaces aspartic acid 27 with glutamic acid.
Molecular consequence: missense variant.
Genome position (GRCh38, 1-based): chr16:28,878,752, C>G. VCF-style: chr16-28878752-C-G. GRCh37 (hg19) VCF-style: chr16-28890073-C-G.
Other names: c.81C>G, p.Asp27Glu (NM_173201.5); c.81C>G (NM_173201.3); short protein forms D27E.
Identifiers: ClinVar variation 2032393 (VCV002032393.4), dbSNP rs769142323, ClinGen allele CA7986486.

ClinVar aggregate classification (germline): Uncertain significance. Review status: criteria provided, multiple submitters, no conflicts (2 of 4 stars). 3 submissions from 3 submitters: Uncertain significance (3). Last evaluated 2024-05-22.

Conditions:
Brody myopathy. Also called: BRODY DISEASE. Identifiers: Orphanet 53347, MedGen C1832918, MONDO:0010977, OMIM 601003.

Allele frequency attached by ClinVar (database versions not stated): gnomAD exomes below 0.00001; TOPMed below 0.00001; ExAC 0.00001; gnomAD 0.00001.
gnomAD v4.1: 6 of 1,613,722 alleles (0.00037%); highest among the groups gnomAD compares: Non-Finnish European, 0.00051%; no homozygotes.

Submissions (3):

Blueprint Genetics
Classification: Uncertain significance. Last evaluated: 2024-05-22. Review status: criteria provided, single submitter. Criteria: ACMG Guidelines, 2015. Collection method: clinical testing. Allele origin: germline.

GeneDx
Classification: Uncertain significance. Last evaluated: 2024-05-21. Review status: criteria provided, single submitter. Criteria: GeneDx Variant Classification Process June 2021. Collection method: clinical testing. Allele origin: germline. Affected: yes.
Comment: Not observed at significant frequency in large population cohorts (gnomAD); In silico analysis indicates that this missense variant does not alter protein structure/function; Has not been previously published as pathogenic or benign to our knowledge

Labcorp Genetics (formerly Invitae), Labcorp
Classification: Uncertain significance for Brody myopathy. Last evaluated: 2023-11-27. Review status: criteria provided, single submitter. Criteria: Invitae Variant Classification Sherloc (09022015). Collection method: clinical testing. Allele origin: germline.
Comment: This sequence change replaces aspartic acid, which is acidic and polar, with glutamic acid, which is acidic and polar, at codon 27 of the ATP2A1 protein (p.Asp27Glu). This variant is present in population databases (rs769142323, gnomAD 0.0009%). This variant has not been reported in the literature in individuals affected with ATP2A1-related conditions. ClinVar contains an entry for this variant (Variation ID: 2032393). Algorithms developed to predict the effect of missense changes on protein structure and function output the following: SIFT: "Not Available"; PolyPhen-2: "Benign"; Align-GVGD: "Not Available". The glutamic acid amino acid residue is found in multiple mammalian species, which suggests that this missense change does not adversely affect protein function. In summary, the available evidence is currently insufficient to determine the role of this variant in disease. Therefore, it has been classified as a Variant of Uncertain Significance.